The following is an entry in ClinVar:

ClinVar aggregate classification (germline): Uncertain significance (1 of 4 stars; one submission).

Submission:

GeneDx
Classification: Uncertain significance. Last evaluated: 2026-03-24. Review status: criteria provided, single submitter. Criteria: GeneDx Variant Classification Process June 2021. Collection method: clinical testing. Allele origin: germline.
Comment: Not observed at significant frequency in large population cohorts (gnomAD); In silico analysis supports that this missense variant has a deleterious effect on protein structure/function; Has not been previously published as pathogenic or benign to our knowledge

NM_014905.5(GLS):c.1246C>G (p.Gln416Glu)

Gene: GLS (glutaminase; plus strand). Cytogenetic location: 2q32.2.
Variant type: single nucleotide variant.
Coding change: c.1246C>G on transcript NM_014905.5 (MANE Select); coding-DNA position 1246, C replaced by G.
Protein change: p.Gln416Glu; replaces glutamine 416 with glutamic acid.
Molecular consequence: missense variant.
Genome position (GRCh38, 1-based): chr2:190,924,591, C>G. VCF-style: chr2-190924591-C-G. GRCh37 (hg19) VCF-style: chr2-191789317-C-G.
Other names: c.1246C>G, p.Gln416Glu (NM_001256310.2, NM_001437282.1, NM_001437283.1); short protein forms Q416E.
Identifiers: ClinVar variation 5017047 (VCV005017047.1).
Genomic context (GRCh38, chr2:190,924,591, plus strand): 5'-TGGTTTTTTTAGTGTTTTCCAGAAGGCACAGACATGGTTGGTATATTAGACTTCTACTTC[C>G]AGGTAATCTAATTATGTAAATCGTATATATAAATGGATGTGTCGGCTGGGCACGGTGGCT-3'
Protein context (NP_055720.3, residues 406-426): DMVGILDFYF[Gln416Glu]LCSIEVTCES